The following is an entry in ClinVar:

NM_025074.7(FRAS1):c.7074C>T (p.Gly2358=)

Gene: FRAS1 (Fraser extracellular matrix complex subunit 1; plus strand). Cytogenetic location: 4q21.21.
Variant type: single nucleotide variant.
Coding change: c.7074C>T on transcript NM_025074.7 (MANE Select); coding-DNA position 7074, C replaced by T.
Protein change: p.Gly2358=; no amino-acid change (glycine 2358 retained).
Molecular consequence: synonymous variant.
Genome position (GRCh38, 1-based): chr4:78,466,252, C>T. VCF-style: chr4-78466252-C-T. GRCh37 (hg19) VCF-style: chr4-79387406-C-T.
Other names: p.Gly2358=.
Identifiers: ClinVar variation 349749 (VCV000349749.19), dbSNP rs7660641, ClinGen allele CA2977990.
Genomic context (GRCh38, chr4:78,466,252, plus strand): 5'-TTTGCCTTCCGGACAGGCCGAGTCTGTCACATTCACCATCGTGCAGCCTCCACGCCATGG[C>T]ACCATCGAGCGAACCAGCAATGGGCAGCATTTCCACCTCACCTCCACCTTCACCATGAAA-3'
Protein context (NP_079350.5, residues 2348-2368): TFTIVQPPRH[Gly2358=]TIERTSNGQH

ClinVar aggregate classification (germline): Benign/Likely benign. Review status: criteria provided, multiple submitters, no conflicts (2 of 4 stars). 4 submissions from 4 submitters: Benign (3); Likely benign (1). Last evaluated 2026-02-01.

Conditions:
Fraser syndrome 1 (FRASRS1). Also called: CRYPTOPHTHALMOS WITH OTHER MALFORMATIONS. Identifiers: Orphanet 2052, MedGen C4551480, MONDO:0054737, OMIM 219000.

Allele frequency attached by ClinVar (database versions not stated): 1000 Genomes Project 0.01118; 1000 Genomes Project 30x 0.01156; gnomAD 0.01013; TOPMed 0.01028; ESP Exome Variant Server 0.01070.
gnomAD v4.1: 2,846 of 1,613,922 alleles (0.18%); highest among the groups gnomAD compares: African/African-American, 3.4%; 44 homozygotes.

Submissions (4):

Labcorp Genetics (formerly Invitae), Labcorp
Classification: Benign. Last evaluated: 2026-02-01. Review status: criteria provided, single submitter. Criteria: Invitae Variant Classification Sherloc (09022015). Collection method: clinical testing. Allele origin: germline.

Mayo Clinic Laboratories, Mayo Clinic
Classification: Likely benign. Last evaluated: 2025-09-18. Review status: criteria provided, single submitter. Criteria: ACMG Guidelines, 2015. Collection method: clinical testing. Allele origin: germline. Observed: 1 variant allele.
Comment: BS1, BP4, BP7

Illumina Laboratory Services, Illumina
Classification: Benign for Fraser syndrome 1. Last evaluated: 2018-01-13. Review status: criteria provided, single submitter. Criteria: ICSL Variant Classification Criteria 13 December 2019. Collection method: clinical testing. Allele origin: germline.
Comment: This variant was observed in the ICSL laboratory as part of a predisposition screen in an ostensibly healthy population. It had not been previously curated by ICSL or reported in the Human Gene Mutation Database (HGMD: prior to June 1st, 2018), and was therefore a candidate for classification through an automated scoring system. Utilizing variant allele frequency, disease prevalence and penetrance estimates, and inheritance mode, an automated score was calculated to assess if this variant is too frequent to cause the disease. Based on the score and internal cut-off values, a variant classified as benign is not then subjected to further curation. The score for this variant resulted in a classification of benign for this disease.

Breakthrough Genomics
Classification: Benign. Review status: criteria provided, single submitter. Criteria: ACMG Guidelines, 2015. Collection method: not provided. Allele origin: germline. Inheritance: Autosomal recessive inheritance. Affected: yes.